The following is an entry in ClinVar:

ClinVar aggregate classification (germline): Uncertain significance (1 of 4 stars; one submission).

Submission:

Labcorp Genetics (formerly Invitae), Labcorp
Classification: Uncertain significance. Last evaluated: 2024-04-11. Review status: criteria provided, single submitter. Criteria: Invitae Variant Classification Sherloc (09022015). Collection method: clinical testing. Allele origin: germline.
Comment: This sequence change creates a premature translational stop signal (p.Lys861Aspfs*11) in the DDX58 gene. While this is not anticipated to result in nonsense mediated decay, it is expected to disrupt the last 65 amino acid(s) of the DDX58 protein. This variant is present in population databases (no rsID available, gnomAD 0.002%). This variant has not been reported in the literature in individuals affected with DDX58-related conditions. Experimental studies and prediction algorithms are not available or were not evaluated, and the functional significance of this variant is currently unknown. In summary, the available evidence is currently insufficient to determine the role of this variant in disease. Therefore, it has been classified as a Variant of Uncertain Significance.

NM_014314.4(RIGI):c.2581_2582del (p.Lys861fs)

Gene: RIGI (RNA sensor RIG-I; minus strand). Cytogenetic location: 9p21.1.
Variant type: Deletion.
Coding change: c.2581_2582del on transcript NM_014314.4 (MANE Select); coding-DNA positions 2581 to 2582, 2 bases deleted (AA; older notation c.2581_2582delAA).
Protein change: p.Lys861fs; shifts the reading frame from lysine 861.
Molecular consequence: frameshift variant.
Genome position (GRCh38, 1-based): chr9:32,457,318-32,457,319, TT deleted on the plus strand (AA on the coding strand, the reverse complement: RIGI is on the minus strand); deleting any 2 consecutive bases within chr9:32,457,318-32,457,320 gives the same sequence; the c. name uses the placement nearest the transcript's 3' end. VCF-style (leftmost placement, unchanged base first): chr9-32457317-CTT-C. GRCh37 (hg19) VCF-style: chr9-32457315-CTT-C.
Other names: c.2575_2576del, p.Lys859fs (NM_001385907.1); c.2410_2411del, p.Lys804fs (NM_001385909.1); c.2140_2141del, p.Lys714fs (NM_001385910.1); c.1972_1973del, p.Lys658fs (NM_001385912.1); c.2566_2567del, p.Lys856fs (NM_001385913.1); c.2137_2138del, p.Lys713fs (NM_001385914.1); short protein forms K856fs, K859fs, K861fs, K714fs, K804fs, K658fs, K713fs.
Identifiers: ClinVar variation 2989548 (VCV002989548.3), dbSNP rs1006675812, ClinGen allele CA192350182.